The following is an entry in ClinVar:

NM_014874.4(MFN2):c.749G>A (p.Arg250Gln)

Gene: MFN2 (mitofusin 2; plus strand). Cytogenetic location: 1p36.22.
Variant type: single nucleotide variant.
Coding change: c.749G>A on transcript NM_014874.4 (MANE Select); coding-DNA position 749, G replaced by A.
Protein change: p.Arg250Gln; replaces arginine 250 with glutamine.
Molecular consequence: missense variant.
Genome position (GRCh38, 1-based): chr1:11,999,028, G>A. VCF-style: chr1-11999028-G-A. GRCh37 (hg19) VCF-style: chr1-12059085-G-A.
Other names: p.R250Q:CGG>CAG; p.(Arg250Gln); c.749G>A, p.Arg250Gln (NM_001127660.2); short protein forms R250Q.
Identifiers: ClinVar variation 214653 (VCV000214653.45), dbSNP rs140234726, ClinGen allele CA325008.

ClinVar aggregate classification (germline): Conflicting classifications of pathogenicity. Review status: criteria provided, conflicting classifications (1 of 4 stars). 17 submissions from 17 submitters: Likely pathogenic (2); Pathogenic, low penetrance (1); Uncertain significance (9); Likely benign (1). 4 of the submissions do not count toward it. Last evaluated 2026-09-05.

Conditions:
Mitochondrial DNA maintenance disorder.
MFN2-related disorder. Also called: MFN2-related disorders; MFN2-related condition.
Neuropathy, hereditary motor and sensory, type 6A (HMSN6A). Also called: HMSN VIA; CHARCOT-MARIE-TOOTH DISEASE, TYPE 6A; NEUROPATHY, HEREDITARY MOTOR AND SENSORY, TYPE VIA, WITH OPTIC ATROPHY; NEUROPATHY, HEREDITARY MOTOR AND SENSORY, TYPE VIA. Identifiers: MedGen CN305336, MONDO:0011002, OMIM 601152.
Charcot-Marie-Tooth disease, axonal, autosomal recessive, type 2a2b;. Also called: Charcot-Marie-Tooth disease, axonal, type 2A2B; Charcot-Marie-Tooth disease, axonal, autosomal recessive, type 2A2B. Identifiers: MedGen C4310725, MONDO:0014906, OMIM 617087.
Charcot-Marie-Tooth disease type 2A2. Also called: CHARCOT-MARIE-TOOTH DISEASE, NEURONAL, TYPE 2A2; CHARCOT-MARIE-TOOTH DISEASE, AXONAL, TYPE 2A2; CHARCOT-MARIE-TOOTH DISEASE, AXONAL, AUTOSOMAL DOMINANT, TYPE 2A2A; HEREDITARY MOTOR AND SENSORY NEUROPATHY IIA2; HMSN IIA2; Charcot-Marie-Tooth Neuropathy Type 2A2. Identifiers: Orphanet 99947, MedGen C4721887, MONDO:0012231, OMIM 609260.
Multiple symmetric lipomatosis. Also called: Madelung disease; Benign symmetrical lipomatosis; LIPODYSTROPHY, CEPHALOTHORACIC; Launois-Bensaude syndrome; Madelung's disease. Identifiers: Orphanet 2398, MedGen C0023804, MONDO:0007908, OMIM 151800.
Inborn genetic diseases. Identifiers: MedGen C0950123, MeSH D030342.
Charcot-Marie-Tooth disease. Also called: Charcot-Marie-Tooth Neuropathy; Charcot-Marie-Tooth Hereditary Neuropathy. Identifiers: Orphanet 166, MedGen C0007959, MONDO:0015626.
Charcot-Marie-Tooth disease type 2. Also called: Charcot-Marie-Tooth type 2. Identifiers: Orphanet 64746, MedGen C0270914, MONDO:0018993.

Allele frequency attached by ClinVar (database versions not stated): ExAC 0.00029; ESP Exome Variant Server 0.00031; gnomAD exomes 0.00023; TOPMed 0.00031; gnomAD 0.00019 and 0.00020.
gnomAD v4.1: 571 of 1,614,068 alleles (0.035%); highest among the groups gnomAD compares: Non-Finnish European, 0.043%; 1 homozygote.

Submissions 1 to 9 of 17:

GeneDx
Classification: Uncertain significance. Last evaluated: 2026-09-05. Review status: criteria provided, single submitter. Criteria: GeneDx Variant Classification Process June 2021. Collection method: clinical testing. Allele origin: germline.
Comment: Observed in multiple unrelated individuals with Charcot-Marie-Tooth disease who were heterozygous for p.(R250Q), but it is unknown whether these individuals were tested for variants in other genes associated with Charcot-Marie-Tooth disease (PMID: 16714318, 32376792, 21258814, 25850958); Reported along with a likely pathogenic variant in the MFN2 gene, in a patient with Charcot-Marie-Tooth disease, vocal cord paralysis, and difficulty running in the published literature; however, segregation information was not provided (PMID: 31827005); Published functional studies suggest this variant does not affect MFN2-mediated outer mitochondrial membrane fusion; however additional studies are needed (PMID: 40121276); In silico analysis indicates that this missense variant does not alter protein structure/function; This variant is associated with the following publications: (PMID: 22492563, 21258814, 26968897, 25850958, 35399520, 26930221, 16714318, Barsa2024[Pre-print], 24863639, 30442897, 32376792, 26752306, 23800155, 40121276, 31827005)

Genetics Laboratory, Great Ormond Street Hospital NHS Foundation Trust, North Thames Genomic Laboratory Hub
Classification: Uncertain significance for Mitochondrial DNA maintenance disorder. Last evaluated: 2026-03-30. Review status: criteria provided, single submitter. Criteria: ACGS Best Practice Guidelines for Variant Classification in Rare Disease 2024 v1.2. Collection method: clinical testing. Allele origin: germline. Affected: yes.
Comment: PP3_supporting, PM5_moderate, PM3_supporting

PreventionGenetics, part of Exact Sciences
Classification: Uncertain significance for MFN2-related condition. Last evaluated: 2026-02-18. Review status: criteria provided, single submitter. Criteria: ACMG Guidelines, 2015. Collection method: clinical testing. Allele origin: germline.
Comment: The MFN2 c.749G>A variant is predicted to result in the amino acid substitution p.Arg250Gln. This variant has been reported in the heterozygous state in multiple individuals with clinical features suggestive of Charcot-Marie-Tooth disease (Verhoeven et al. 2006. PubMed ID: 16714318; McCorquodale et al. 2011. PubMed ID: 21258814; Sitarz et al. 2012. PubMed ID: 22492563; Table S3, Antoniadi et al. 2015. PubMed ID: 26392352). This variant was also detected in an individual with non-ataxic spastic paraplegia and peripheral neuropathy, although the variant did not segregate with disease within the family (Gregianin et al. 2013. PubMed ID: 23800155). Additionally, the c.749G>A variant was reported in the compound heterozygous state in two brothers with early-onset sensory motor neuropathy (Tomaselli et al. 2016. PubMed ID: 26930221). This variant is reported in 0.039% of alleles in individuals of European (non-Finnish) descent in gnomAD, which may be too frequent to be a primary cause of an autosomal dominant disease. An in vitro experimental study suggests this variant does not affect MFN2-mediated mitochondrial fusion (Barsa et al. 2025. PubMed ID: 40121276). Due to the conflicting evidence, at this time, the clinical significance of this variant is classified as uncertain due to the absence of conclusive functional and genetic evidence.

Labcorp Genetics (formerly Invitae), Labcorp
Classification: Pathogenic, low penetrance for Charcot-Marie-Tooth disease type 2. Last evaluated: 2025-11-27. Review status: criteria provided, single submitter. Criteria: Invitae Variant Classification Sherloc (09022015). Collection method: clinical testing. Allele origin: germline.
Comment: This sequence change replaces arginine, which is basic and polar, with glutamine, which is neutral and polar, at codon 250 of the MFN2 protein (p.Arg250Gln). This variant is present in population databases (rs140234726, gnomAD 0.04%). This missense change has been observed in individual(s) with Charcot-Marie-Tooth disease (PMID: 21258814, 22492563, 25850958, 26930221, 32376792). In at least one individual the data is consistent with being in trans (on the opposite chromosome) from a pathogenic variant. This variant shows reduced penetrance with mild disease symptoms, later onset and some individuals may be asymptomatic (PMID: 26930221, 25850958). It has also been observed to segregate with disease in related individuals. ClinVar contains an entry for this variant (Variation ID: 214653). Invitae Evidence Modeling of protein sequence and biophysical properties (such as structural, functional, and spatial information, amino acid conservation, physicochemical variation, residue mobility, and thermodynamic stability) indicates that this missense variant is not expected to disrupt MFN2 protein function with a negative predictive value of 80%. This variant disrupts the p.Arg250 amino acid residue in MFN2. Other variant(s) that disrupt this residue have been determined to be pathogenic (PMID: 16714318, 26306937, 28660751, 35922214). This suggests that this residue is clinically significant, and that variants that disrupt this residue are likely to be disease-causing. In summary, this variant is reported to cause disease. However, as this variant is associated with a lower penetrance than other pathogenic alleles in the MFN2 gene, it has been classified as Pathogenic (low penetrance).

CeGaT Center for Human Genetics Tuebingen
Classification: Uncertain significance. Last evaluated: 2024-11-01. Review status: criteria provided, single submitter. Criteria: CeGaT Center For Human Genetics Tuebingen Variant Classification Criteria Version 2. Collection method: clinical testing. Allele origin: germline. Affected: yes. Observed: 1 variant allele.
Comment: MFN2: PM5, BS1:Supporting

Blueprint Genetics
Classification: Uncertain significance. Last evaluated: 2024-10-31. Review status: criteria provided, single submitter. Criteria: ACMG Guidelines, 2015. Collection method: clinical testing. Allele origin: germline.

Mayo Clinic Laboratories, Mayo Clinic
Classification: Uncertain significance. Last evaluated: 2024-10-22. Review status: criteria provided, single submitter. Criteria: ACMG Guidelines, 2015. Collection method: clinical testing. Allele origin: germline. Observed: 1 variant allele.
Comment: BP5, PM2_supporting, PM3_supporting

Laboratory for Molecular Medicine, Mass General Brigham Personalized Medicine
Classification: Uncertain significance. Last evaluated: 2023-12-04. Review status: criteria provided, single submitter. Criteria: ACMG Guidelines, 2015. Collection method: clinical testing. Allele origin: germline.
Comment: The p.Arg250Gln variant in MFN2 has been reported in the heterozygous state in 7 individuals with clinical features of Charcot-Marie-Tooth (CMT) disease (Verhoeven 2006 PMID: 16714318, McCorquodale 2011 PMID: 21258814, Sitarz 2012 PMID: 22492563, Antoniadi 2015 PMID: 26392352, Tomaselli 2016 PMID: 26930221, Rudnik-Schoneborn 2016 PMID: 25850958, Volodarsky 2021 PMID: 32376792). This variant was also reported in the compound heterozygous state with another MFN2 variant in 2 siblings with features of CMT disease with earlier disease onset. The variant was determined to be paternally inherited, and the father had not symptoms of neuropathy (Lupo 2016 PMID: 26752306). This variant has also been reported by other clinical laboratories in ClinVar (Variation ID 214653) and has been identified in 0.03% (5/15252) of Latino chromosomes by gnomAD (v.3.1.2). Computational prediction tools and conservation analyses do not provide strong support for or against an impact to the protein. In summary, while there is some suspicion for a pathogenic role, the clinical significance of this variant is uncertain. ACMG/AMP Criteria applied: PS4, PM2_Supporting.

Department of Pathology and Laboratory Medicine, Sinai Health System
Classification: Likely pathogenic for Charcot-Marie-Tooth disease, axonal, autosomal recessive, type 2a2b;; Multiple symmetric lipomatosis; Neuropathy, hereditary motor and sensory, type 6A; Charcot-Marie-Tooth disease type 2A2. Last evaluated: 2023-07-07. Review status: criteria provided, single submitter. Criteria: ACMG Guidelines, 2015. Collection method: research. Allele origin: germline.